The following is an entry in ClinVar:

ClinVar aggregate classification (germline): Likely pathogenic (1 of 4 stars; one submission).

Conditions:
Pyruvate dehydrogenase E3-binding protein deficiency (PDHXD). Also called: LACTIC ACIDEMIA DUE TO DEFECT IN LIPOYL-CONTAINING COMPONENT X OF THE PYRUVATE DEHYDROGENASE COMPLEX; E3-Binding Protein (Component X) Deficiency; Lacticacidemia due to PDX1 deficiency; PYRUVATE HYDROGENASE E3-BINDING PROTEIN DEFICIENCY. Identifiers: Orphanet 255182, MedGen C1855553, MONDO:0009503, OMIM 245349.

Submission:

Women's Health and Genetics/Laboratory Corporation of America, LabCorp
Classification: Likely pathogenic for Pyruvate dehydrogenase E3-binding protein deficiency. Last evaluated: 2023-02-20. Review status: criteria provided, single submitter. Criteria: LabCorp Variant Classification Summary - May 2015. Collection method: clinical testing. Allele origin: germline.
Comment: Variant summary: The variant identified by MLPA or other technology involves the deletion of exon 7 in the PDHX gene. A presumed nomenclature of c.(816+1_817-1)_(964+1_965-1)del has been designated for the purposes of this classification. Although exact breakpoints of this deletion are not known, it is expected to result in a frameshift in the PDHX gene, a known mechanism of disease. The variant was absent in 21694 control chromosomes (gnomAD, Structural Variants dataset). To our knowledge, no occurrence of c.(816+1_817-1)_(964+1_965-1)del in individuals affected with Pyruvate Dehydrogenase E3-Binding Protein Deficiency and no experimental evidence demonstrating its impact on protein function have been reported. No submitters have provided clinical-significance assessments for this variant to ClinVar after 2014. Based on the evidence outlined above, the variant was classified as likely pathogenic.

NC_000011.9:g.(34988362_34991685)_(34991834_34999670)del

Gene: PDHX (pyruvate dehydrogenase complex component X; plus strand). Cytogenetic location: 11p13.
Variant type: Deletion.
Identifiers: ClinVar variation 2445919 (VCV002445919.1).